The following is an entry in ClinVar:

NM_018116.4(MSTO1):c.1487C>T (p.Pro496Leu)

Gene: MSTO1 (misato mitochondrial distribution and morphology regulator 1; plus strand). Cytogenetic location: 1q22.
Variant type: single nucleotide variant.
Coding change: c.1487C>T on transcript NM_018116.4 (MANE Select); coding-DNA position 1487, C replaced by T.
Protein change: p.Pro496Leu; replaces proline 496 with leucine.
Molecular consequence: missense variant. On other transcripts: synonymous variant (3), non-coding transcript variant (4), intron variant (3).
Genome position (GRCh38, 1-based): chr1:155,613,755, C>T. VCF-style: chr1-155613755-C-T. GRCh37 (hg19) VCF-style: chr1-155583546-C-T.
Other names: c.1487C>T, p.Pro496Leu (NM_001256532.1, NM_001350775.1); c.1524C>T, p.Pro508= (NM_001350773.1, NM_001350774.1); c.1322C>T, p.Pro441Leu (NM_001350776.1); c.956C>T, p.Pro319Leu (NM_001350777.1, NM_001350778.1, NM_001350779.1); c.953C>T, p.Pro318Leu (NM_001350780.1, NM_001350781.1, NM_001350782.1 and 2 more transcripts); c.944C>T, p.Pro315Leu (NM_001350784.1, NM_001350785.1, NM_001350789.1); c.990C>T, p.Pro330= (NM_001350786.1); c.922+22C>T (NM_001350787.1); and 2 more; short protein forms P315L, P318L, P319L, P441L, P496L.
Identifiers: ClinVar variation 2582865 (VCV002582865.25), dbSNP rs1479405409, ClinGen allele CA342760467.

ClinVar aggregate classification (germline): Uncertain significance. Review status: criteria provided, multiple submitters, no conflicts (2 of 4 stars). 2 submissions from 2 submitters: Uncertain significance (2). Last evaluated 2025-09-22.

Conditions:
Inborn genetic diseases. Identifiers: MedGen C0950123, MeSH D030342.

Allele frequency attached by ClinVar (database versions not stated): gnomAD 0.00001; TOPMed 0.00001; gnomAD exomes 0.00003.
gnomAD v4.1: 48 of 1,611,812 alleles (0.003%); highest among the groups gnomAD compares: Non-Finnish European, 0.0037%; no homozygotes.

Submissions (2):

Ambry Genetics
Classification: Uncertain significance for Inborn genetic diseases. Last evaluated: 2025-09-22. Review status: criteria provided, single submitter. Criteria: Ambry Variant Classification Scheme 2023. Collection method: clinical testing. Allele origin: germline.

CeGaT Center for Human Genetics Tuebingen
Classification: Uncertain significance. Last evaluated: 2023-09-01. Review status: criteria provided, single submitter. Criteria: CeGaT Center For Human Genetics Tuebingen Variant Classification Criteria Version 2. Collection method: clinical testing. Allele origin: germline. Affected: yes. Observed: 1 variant allele.
Comment: MSTO1: PP2, PS2:Supporting, BP4